The following is an entry in ClinVar:

ClinVar aggregate classification (germline): Uncertain significance (1 of 4 stars; one submission).

Conditions:
Peroxisome biogenesis disorder 2B (PBD2B). Identifiers: Orphanet 44, MedGen C3550234, MONDO:0008736, OMIM 202370.

Submission:

Labcorp Genetics (formerly Invitae), Labcorp
Classification: Uncertain significance for Peroxisome biogenesis disorder 2B. Last evaluated: 2022-08-01. Review status: criteria provided, single submitter. Criteria: Invitae Variant Classification Sherloc (09022015). Collection method: clinical testing. Allele origin: germline.
Comment: This variant, c.508_510del, results in the deletion of 1 amino acid(s) of the PEX5 protein (p.Lys170del), but otherwise preserves the integrity of the reading frame. This variant is present in population databases (rs763309168, gnomAD 0.0009%). This variant has not been reported in the literature in individuals affected with PEX5-related conditions. Experimental studies and prediction algorithms are not available or were not evaluated, and the functional significance of this variant is currently unknown. In summary, the available evidence is currently insufficient to determine the role of this variant in disease. Therefore, it has been classified as a Variant of Uncertain Significance.

NM_001351132.2(PEX5):c.508_510del (p.Lys170del)

Gene: PEX5 (peroxisomal biogenesis factor 5; plus strand). Cytogenetic location: 12p13.31.
Variant type: Deletion.
Coding change: c.508_510del on transcript NM_001351132.2 (MANE Select); coding-DNA positions 508 to 510, 3 bases deleted (AAG; older notation c.508_510delAAG).
Protein change: p.Lys170del; deletes lysine 170.
Molecular consequence: inframe deletion.
Genome position (GRCh38, 1-based): chr12:7,199,070-7,199,072, AAG deleted; deleting any 3 consecutive bases within chr12:7,199,068-7,199,072 gives the same sequence; the c. name uses the placement nearest the transcript's 3' end. VCF-style (leftmost placement, unchanged base first): chr12-7199067-GAGA-G. GRCh37 (hg19) VCF-style: chr12-7351663-GAGA-G.
Other names: c.508_510del, p.Lys170del (NM_000319.5, NM_001131024.2, NM_001131025.2 and 19 more transcripts); c.553_555del, p.Lys185del (NM_001131023.2, NM_001351135.3, NM_001351138.2); short protein forms K185del, K170del.
Identifiers: ClinVar variation 2065323 (VCV002065323.1), dbSNP rs763309168, ClinGen allele CA6426159.